The following is an entry in ClinVar:

ClinVar aggregate classification (germline): Benign/Likely benign. Review status: criteria provided, multiple submitters, no conflicts (2 of 4 stars). 6 submissions from 6 submitters: Benign (5); Likely benign (1). Last evaluated 2026-02-04.

Allele frequency attached by ClinVar (database versions not stated): 1000 Genomes Project 0.16014; ESP Exome Variant Server 0.16093; 1000 Genomes Project 30x 0.16115; gnomAD 0.17239 and 0.17414; TOPMed 0.17598; gnomAD exomes 0.18318 and 0.18974; ExAC 0.18408.
gnomAD v4.1: 293,998 of 1,613,930 alleles (18%); highest among the groups gnomAD compares: Admixed American, 25%; 27,520 homozygotes.

Submissions (6):

Labcorp Genetics (formerly Invitae), Labcorp
Classification: Benign. Last evaluated: 2026-02-04. Review status: criteria provided, single submitter. Criteria: Invitae Variant Classification Sherloc (09022015). Collection method: clinical testing. Allele origin: germline.

Blueprint Genetics
Classification: Likely benign. Last evaluated: 2024-11-28. Review status: criteria provided, single submitter. Criteria: ACMG Guidelines, 2015. Collection method: clinical testing. Allele origin: germline.

Mayo Clinic Laboratories, Mayo Clinic
Classification: Benign. Last evaluated: 2022-04-26. Review status: criteria provided, single submitter. Criteria: ACMG Guidelines, 2015. Collection method: clinical testing. Allele origin: germline. Observed: 80 variant alleles.

GeneDx
Classification: Benign. Last evaluated: 2021-05-04. Review status: criteria provided, single submitter. Criteria: GeneDx Variant Classification Process June 2021. Collection method: clinical testing. Allele origin: germline. Affected: yes.

Laboratory for Molecular Medicine, Mass General Brigham Personalized Medicine
Classification: Benign. Last evaluated: 2016-03-28. Review status: criteria provided, single submitter. Criteria: LMM Criteria. Collection method: clinical testing. Allele origin: germline.
Comment: Variant identified in a genome or exome case(s) and assessed due to predicted null impact of the variant or pathogenic assertions in the literature or databases. Disclaimer: This variant has not undergone full assessment. The following are preliminary notes: Frequency

Breakthrough Genomics
Classification: Benign. Review status: criteria provided, single submitter. Criteria: ACMG Guidelines, 2015. Collection method: not provided. Allele origin: germline. Inheritance: Autosomal recessive inheritance. Affected: yes.

NM_001372.4(DNAH9):c.13122G>A (p.Met4374Ile)

Gene: DNAH9 (dynein axonemal heavy chain 9; plus strand). Cytogenetic location: 17p12.
Variant type: single nucleotide variant.
Coding change: c.13122G>A on transcript NM_001372.4 (MANE Select); coding-DNA position 13122, G replaced by A.
Protein change: p.Met4374Ile; replaces methionine 4374 with isoleucine.
Molecular consequence: missense variant.
Genome position (GRCh38, 1-based): chr17:11,962,145, G>A. VCF-style: chr17-11962145-G-A. GRCh37 (hg19) VCF-style: chr17-11865462-G-A.
Other names: c.2058G>A, p.Met686Ile (NM_004662.2); short protein forms M4374I, M686I.
Identifiers: ClinVar variation 402788 (VCV000402788.16), dbSNP rs1990236, ClinGen allele CA8398347.